The following is an entry in ClinVar:

NC_000017.10:g.(?_61681874)_(61685362_?)dup

Gene: TACO1 (translational activator of cytochrome c oxidase I; plus strand). Cytogenetic location: 17q23.3.
Variant type: Duplication.
Identifiers: ClinVar variation 1412036 (VCV001412036.5).

ClinVar aggregate classification (germline): Uncertain significance (1 of 4 stars; one submission).

Submission:

Labcorp Genetics (formerly Invitae), Labcorp
Classification: Uncertain significance. Last evaluated: 2022-08-09. Review status: criteria provided, single submitter. Criteria: Invitae Variant Classification Sherloc (09022015). Collection method: clinical testing. Allele origin: germline.
Comment: In summary, the available evidence is currently insufficient to determine the role of this variant in disease. Therefore, it has been classified as a Variant of Uncertain Significance. Experimental studies and prediction algorithms are not available or were not evaluated, and the functional significance of this variant is currently unknown. This variant has not been reported in the literature in individuals affected with TACO1-related conditions. This variant results in a copy number gain of the genomic region encompassing exon(s) 2-5 of the TACO1 gene. This region includes the termination codon of the gene. This copy number gain extends beyond the assayed region for this gene and therefore may encompass additional genes. As the precise location of this event is unknown, it may be in tandem or it may be located elsewhere in the genome.